The following is an entry in ClinVar:

ClinVar aggregate classification (germline): Pathogenic. Review status: reviewed by expert panel (3 of 4 stars). 14 submissions from 14 submitters: Pathogenic (1). 13 of the submissions do not count toward it. Last evaluated 2016-09-08.

Conditions:
Hereditary cancer-predisposing syndrome. Also called: Neoplastic Syndromes, Hereditary; Tumor predisposition; Hereditary neoplastic syndrome; Hereditary Cancer Syndrome. Identifiers: Orphanet 140162, MedGen C0027672, MeSH D009386, MONDO:0015356.
Hereditary breast ovarian cancer syndrome. Also called: Hereditary breast and ovarian cancer syndrome; Hereditary breast and ovarian cancer; Hereditary breast and ovarian cancer syndrome (HBOC); Breast and ovarian cancer; Hereditary breast and/or ovarian cancer syndrome; BRCA1- and BRCA2-Associated Hereditary Breast and Ovarian Cancer. Identifiers: Orphanet 145, MedGen C0677776, MeSH D061325, MONDO:0003582. Disease mechanism: loss of function.
Inherited breast cancer and ovarian cancer.
Familial cancer of breast. Also called: BREAST CANCER, FAMILIAL; Hereditary breast cancer; hereditary breast carcinoma. Identifiers: Orphanet 227535, MedGen C0346153, MONDO:0016419, OMIM 114480. Disease mechanism: loss of function.
Breast-ovarian cancer, familial, susceptibility to, 2 (BROVCA2). Also called: BRCA2 Hereditary Breast and Ovarian Cancer. Identifiers: Orphanet 145, MedGen C2675520, MONDO:0012933, OMIM 612555. Disease mechanism: loss of function.

Submissions (14):

Evidence-based Network for the Interpretation of Germline Mutant Alleles (ENIGMA)
Classification: Pathogenic for Breast-ovarian cancer, familial, susceptibility to, 2. Last evaluated: 2016-09-08. Review status: reviewed by expert panel. Criteria: ENIGMA BRCA1/2 Classification Criteria (2015). Collection method: curation. Allele origin: germline.
Comment: Variant allele predicted to encode a truncated non-functional protein.

Center for Genomic Medicine, Rigshospitalet, Copenhagen University Hospital
Classification: Pathogenic. Last evaluated: 2025-12-29. Review status: criteria provided, single submitter. Criteria: ACMG Guidelines, 2015. Collection method: clinical testing. Allele origin: germline. Not counted in ClinVar's aggregate classification.
Comment: Classification criteria: PVS1, PM5_strong, PM2_supporting

Labcorp Genetics (formerly Invitae), Labcorp
Classification: Pathogenic for Hereditary breast ovarian cancer syndrome. Last evaluated: 2025-11-14. Review status: criteria provided, single submitter. Criteria: Invitae Variant Classification Sherloc (09022015). Collection method: clinical testing. Allele origin: germline. Not counted in ClinVar's aggregate classification.
Comment: This sequence change creates a premature translational stop signal (p.Thr2125Profs*12) in the BRCA2 gene. It is expected to result in an absent or disrupted protein product. Loss-of-function variants in BRCA2 are known to be pathogenic (PMID: 20104584). This variant is not present in population databases (gnomAD no frequency). This variant has not been reported in the literature in individuals affected with BRCA2-related conditions. ClinVar contains an entry for this variant (Variation ID: 52075). For these reasons, this variant has been classified as Pathogenic.

GeneDx
Classification: Pathogenic. Last evaluated: 2025-06-04. Review status: criteria provided, single submitter. Criteria: GeneDx Variant Classification Process June 2021. Collection method: clinical testing. Allele origin: germline. Affected: yes. Not counted in ClinVar's aggregate classification.
Comment: Frameshift variant predicted to result in protein truncation or nonsense mediated decay in a gene for which loss of function is a known mechanism of disease; Observed in individuals with a personal or family history consistent with pathogenic variants in this gene, and has been described as a pathogenic founder variant in the Danish population (PMID: 9150154, 18465347, 23199084, 26833046, 26360800, 26004055); Not observed at significant frequency in large population cohorts (gnomAD); Truncating variants in this gene are considered pathogenic by a well-established clinical consortium and/or database; Also known as 6601del; This variant is associated with the following publications: (PMID: 23199084, 26004055, 24312913, 26360800, 9150154, 18465347, 26833046, 30322717, 31263571, 33646313, 35383859, 29446198)

Genomics and Molecular Medicine Service, East Genomic Laboratory Hub, NHS Genomic Medicine Service
Classification: Pathogenic for Inherited breast cancer and ovarian cancer. Last evaluated: 2024-11-07. Review status: criteria provided, single submitter. Criteria: ACGS Best Practice Guidelines for Variant Classification in Rare Disease 2020. Collection method: clinical testing. Allele origin: germline. Affected: yes. Not counted in ClinVar's aggregate classification.
Comment: PVS1,PM5_Strong

Department of Clinical Genetics, Copenhagen University Hospital, Rigshospitalet
Classification: Pathogenic for Breast-ovarian cancer, familial, susceptibility to, 2. Last evaluated: 2024-05-27. Review status: criteria provided, single submitter. Criteria: ACMG Guidelines, 2015. Collection method: clinical testing. Allele origin: germline. Affected: yes. Not counted in ClinVar's aggregate classification.
Comment: PVS1; PM2_supporting; PM5_PTC_Strong

Quest Diagnostics Nichols Institute San Juan Capistrano
Classification: Pathogenic. Last evaluated: 2024-01-31. Review status: criteria provided, single submitter. Criteria: Quest Diagnostics criteria. Collection method: clinical testing. Allele origin: unknown. Not counted in ClinVar's aggregate classification.
Comment: The BRCA2 c.6373del (p.Thr2125Profs*12) variant (also known as 6601delA) alters the translational reading frame of the BRCA2 mRNA and causes the premature termination of BRCA2 protein synthesis. This variant has been reported in the published literature in individuals with breast and/or ovarian cancer (PMIDs: 33646313 (2021), 30322717 (2018), 26833046 (2016), 9150154 (1997)), male breast cancer (PMID: 26360800 (2016)), and pancreatic cancer (PMID: 26004055 (2016)). It has also been described as a founder variant in the Danish population (PMIDs: 26833046 (2016), 18465347 (2008)). This variant has not been reported in large, multi-ethnic general populations (Genome Aggregation Database). Based on the available information, this variant is classified as pathogenic.

Ambry Genetics
Classification: Pathogenic for Hereditary cancer-predisposing syndrome. Last evaluated: 2023-12-20. Review status: criteria provided, single submitter. Criteria: Ambry Variant Classification Scheme 2023. Collection method: clinical testing. Allele origin: germline. Not counted in ClinVar's aggregate classification.
Comment: The c.6373delA pathogenic mutation, located in coding exon 10 of the BRCA2 gene, results from a deletion of one nucleotide at nucleotide position 6373, causing a translational frameshift with a predicted alternate stop codon (p.T2125Pfs*12). This mutation has been reported in Scandinavian and Danish breast and ovarian cancer families and is a well known founder mutation in the Danish population (H&aring;kansson S et al. Am. J. Hum. Genet. 1997 May;60:1068-78; Nielsen HR et al. Fam. Cancer 2016 Oct;15:507-12; Thomassen M et al. Acta Oncol 2008;47:772-7; Janaviius R. EPMA J 2010 Sep;1:397-412). In addition, this alteration was identified in 44 families in a large, worldwide study of BRCA1/2 mutation-positive families (Rebbeck TR et al. Hum. Mutat., 2018 05;39:593-620). Of note, this alteration is also designated as 6601delA in published literature. This alteration is expected to result in loss of function by premature protein truncation or nonsense-mediated mRNA decay. As such, this alteration is interpreted as a disease-causing mutation.

Baylor Genetics
Classification: Pathogenic for Familial cancer of breast. Last evaluated: 2023-10-04. Review status: criteria provided, single submitter. Criteria: ACMG Guidelines, 2015. Collection method: clinical testing. Allele origin: unknown. Not counted in ClinVar's aggregate classification.

Clinical Genetics Laboratory, Skane University Hospital Lund
Classification: Pathogenic. Last evaluated: 2022-10-27. Review status: criteria provided, single submitter. Criteria: ACMG Guidelines, 2015. Collection method: clinical testing. Allele origin: germline. Affected: yes. Not counted in ClinVar's aggregate classification.

Color Diagnostics, LLC DBA Color Health
Classification: Pathogenic for Hereditary cancer-predisposing syndrome. Last evaluated: 2020-01-15. Review status: criteria provided, single submitter. Criteria: ACMG Guidelines, 2015. Collection method: clinical testing. Allele origin: germline. Not counted in ClinVar's aggregate classification.
Comment: This variant deletes 1 nucleotide in exon 11 of the BRCA2 gene, creating a frameshift and premature translation stop signal. This variant is expected to result in an absent or non-functional protein product. This variant has not been identified in the general population by the Genome Aggregation Database (gnomAD). Loss of BRCA2 function is a known mechanism of disease. Based on the available evidence, this variant is classified as Pathogenic.

Consortium of Investigators of Modifiers of BRCA1/2 (CIMBA), c/o University of Cambridge
Classification: Pathogenic for Breast-ovarian cancer, familial, susceptibility to, 2. Last evaluated: 2015-10-02. Review status: criteria provided, single submitter. Criteria: CIMBA Mutation Classification guidelines May 2016. Collection method: clinical testing. Allele origin: germline. Not counted in ClinVar's aggregate classification.

Sharing Clinical Reports Project (SCRP)
Classification: Pathogenic for Breast-ovarian cancer, familial 2. Last evaluated: 2010-02-22. Review status: no assertion criteria provided. Collection method: clinical testing. Allele origin: germline. Not counted in ClinVar's aggregate classification.

Breast Cancer Information Core (BIC) (BRCA2)
Classification: Pathogenic for Breast-ovarian cancer, familial 2. Review status: no assertion criteria provided. Collection method: clinical testing. Allele origin: germline. Affected: yes. Observed: 2 variant alleles. Not counted in ClinVar's aggregate classification.

Literature cited by the submitters: PubMed 26833046 (cited by 3 submitters); PubMed 35383859 (cited by Center for Genomic Medicine, Rigshospitalet, Copenhagen University Hospital); PubMed 20104584 (cited by Labcorp Genetics (formerly Invitae), Labcorp); PubMed 9150154 (cited by Quest Diagnostics Nichols Institute San Juan Capistrano and Ambry Genetics); PubMed 33646313 (cited by Quest Diagnostics Nichols Institute San Juan Capistrano); PubMed 30322717 (cited by Quest Diagnostics Nichols Institute San Juan Capistrano); PubMed 29446198 (cited by Quest Diagnostics Nichols Institute San Juan Capistrano and Ambry Genetics); PubMed 26360800 (cited by Quest Diagnostics Nichols Institute San Juan Capistrano); PubMed 26004055 (cited by Quest Diagnostics Nichols Institute San Juan Capistrano and Ambry Genetics); PubMed 18465347 (cited by Quest Diagnostics Nichols Institute San Juan Capistrano and Ambry Genetics); PubMed 23199084 (cited by Ambry Genetics).

NM_000059.4(BRCA2):c.6373del (p.Thr2125fs)

Gene: BRCA2 (BRCA2 DNA repair associated; plus strand). Cytogenetic location: 13q13.1.
Variant type: Deletion.
Coding change: c.6373del on transcript NM_000059.4 (MANE Select); coding-DNA position 6373, one base deleted (A; older notation c.6373delA).
Protein change: p.Thr2125fs; shifts the reading frame from threonine 2125.
Molecular consequence: frameshift variant.
Genome position (GRCh38, 1-based): chr13:32,340,728, A deleted; the last of 6 consecutive A bases (chr13:32,340,723-32,340,728); deleting any one gives the same sequence. VCF-style (leftmost placement, unchanged base first): chr13-32340722-GA-G. GRCh37 (hg19) VCF-style: chr13-32914859-GA-G.
Other names: 6601delA; c.6373delA (NM_000059.3).
Identifiers: ClinVar variation 52075 (VCV000052075.31), dbSNP rs80359577, ClinGen allele CA023958.